The following is an entry in ClinVar:

ClinVar aggregate classification (germline): Uncertain significance. Review status: criteria provided, multiple submitters, no conflicts (2 of 4 stars). 2 submissions from 2 submitters: Uncertain significance (2). Last evaluated 2024-12-09.

Conditions:
Glycogen storage disease, type IV (GSD4). Also called: Glycogen storage disease due to glycogen branching enzyme deficiency; AMYLOPECTINOSIS; ANDERSEN DISEASE; BRANCHER DEFICIENCY; CIRRHOSIS, FAMILIAL, WITH DEPOSITION OF ABNORMAL GLYCOGEN; GBE1 DEFICIENCY. Identifiers: Orphanet 367, MedGen C0017923, MONDO:0009292, OMIM 232500.
Glycogen storage disease IV, classic hepatic. Also called: GSD IV, CLASSIC HEPATIC. Identifiers: MedGen C1856301.

Allele frequency attached by ClinVar (database versions not stated): gnomAD 0.00003; TOPMed 0.00004; ExAC 0.00013.
gnomAD v4.1: 87 of 1,601,744 alleles (0.0054%); highest among the groups gnomAD compares: South Asian, 0.039%; no homozygotes.

Submissions (2):

Labcorp Genetics (formerly Invitae), Labcorp
Classification: Uncertain significance for Glycogen storage disease, type IV; Glycogen storage disease IV, classic hepatic. Last evaluated: 2024-12-09. Review status: criteria provided, single submitter. Criteria: Invitae Variant Classification Sherloc (09022015). Collection method: clinical testing. Allele origin: germline.
Comment: This sequence change replaces valine with isoleucine at codon 78 of the GBE1 protein (p.Val78Ile). The valine residue is weakly conserved and there is a small physicochemical difference between valine and isoleucine. This variant is present in population databases (rs760216641, gnomAD 0.05%). This variant has not been reported in the literature in individuals affected with GBE1-related conditions. ClinVar contains an entry for this variant (Variation ID: 2140635). Invitae Evidence Modeling of protein sequence and biophysical properties (such as structural, functional, and spatial information, amino acid conservation, physicochemical variation, residue mobility, and thermodynamic stability) indicates that this missense variant is not expected to disrupt GBE1 protein function with a negative predictive value of 95%. In summary, the available evidence is currently insufficient to determine the role of this variant in disease. Therefore, it has been classified as a Variant of Uncertain Significance.

Baylor Genetics
Classification: Uncertain significance for Glycogen storage disease, type IV. Last evaluated: 2022-01-27. Review status: criteria provided, single submitter. Criteria: ACMG Guidelines, 2015. Collection method: clinical testing. Allele origin: unknown.

NM_000158.4(GBE1):c.232G>A (p.Val78Ile)

Gene: GBE1 (1,4-alpha-glucan branching enzyme 1; minus strand). Cytogenetic location: 3p12.2.
Variant type: single nucleotide variant.
Coding change: c.232G>A on transcript NM_000158.4 (MANE Select); coding-DNA position 232, G replaced by A.
Protein change: p.Val78Ile; replaces valine 78 with isoleucine.
Molecular consequence: missense variant.
Genome position (GRCh38, 1-based): chr3:81,705,525, C>T on the plus strand (G>A on the coding strand, the complement: GBE1 is on the minus strand). VCF-style: chr3-81705525-C-T. GRCh37 (hg19) VCF-style: chr3-81754676-C-T.
Other names: short protein forms V78I.
Identifiers: ClinVar variation 2140635 (VCV002140635.3), dbSNP rs760216641, ClinGen allele CA2500029.